The following is an entry in ClinVar:

NM_014915.3(ANKRD26):c.452A>C (p.His151Pro)

Gene: ANKRD26 (ankyrin repeat domain 26; minus strand). Cytogenetic location: 10p12.1.
Variant type: single nucleotide variant.
Coding change: c.452A>C on transcript NM_014915.3 (MANE Select); coding-DNA position 452, A replaced by C.
Protein change: p.His151Pro; replaces histidine 151 with proline.
Molecular consequence: missense variant.
Genome position (GRCh38, 1-based): chr10:27,093,428, T>G on the plus strand (A>C on the coding strand, the complement: ANKRD26 is on the minus strand). VCF-style: chr10-27093428-T-G. GRCh37 (hg19) VCF-style: chr10-27382357-T-G.
Other names: c.452A>C, p.His151Pro (NM_001256053.2); short protein forms H151P.
Identifiers: ClinVar variation 299760 (VCV000299760.8), dbSNP rs752031374, ClinGen allele CA5448936.

ClinVar aggregate classification (germline): Conflicting classifications of pathogenicity. Review status: criteria provided, conflicting classifications (1 of 4 stars). 3 submissions from 3 submitters: Uncertain significance (2); Likely benign (1). Last evaluated 2025-11-23.

Conditions:
Inborn genetic diseases. Identifiers: MedGen C0950123, MeSH D030342.
Thrombocytopenia 2 (THC2). Also called: ANKRD26-Related Thrombocytopenia. Identifiers: Orphanet 268322, MedGen C1861185, MONDO:0008555, OMIM 188000.

Allele frequency attached by ClinVar (database versions not stated): TOPMed 0.00001; gnomAD exomes 0.00002 and 0.00003; ExAC 0.00003.
gnomAD v4.1: 11 of 1,614,166 alleles (0.00068%); highest among the groups gnomAD compares: East Asian, 0.025%; no homozygotes.

Submissions (3):

Ambry Genetics
Classification: Uncertain significance for Inborn genetic diseases. Last evaluated: 2025-11-23. Review status: criteria provided, single submitter. Criteria: Ambry Variant Classification Scheme 2023. Collection method: clinical testing. Allele origin: germline.

Labcorp Genetics (formerly Invitae), Labcorp
Classification: Uncertain significance. Last evaluated: 2025-08-21. Review status: criteria provided, single submitter. Criteria: Invitae Variant Classification Sherloc (09022015). Collection method: clinical testing. Allele origin: germline.
Comment: This sequence change replaces histidine, which is basic and polar, with proline, which is neutral and non-polar, at codon 151 of the ANKRD26 protein (p.His151Pro). This variant is present in population databases (rs752031374, gnomAD 0.04%). This variant has not been reported in the literature in individuals affected with ANKRD26-related conditions. ClinVar contains an entry for this variant (Variation ID: 299760). An algorithm developed to predict the effect of missense changes on protein structure and function (PolyPhen-2) suggests that this variant is likely to be disruptive. In summary, the available evidence is currently insufficient to determine the role of this variant in disease. Therefore, it has been classified as a Variant of Uncertain Significance.

Illumina Laboratory Services, Illumina
Classification: Likely benign for Thrombocytopenia 2. Last evaluated: 2018-01-13. Review status: criteria provided, single submitter. Criteria: ICSL Variant Classification Criteria 13 December 2019. Collection method: clinical testing. Allele origin: germline.
Comment: This variant was observed in the ICSL laboratory as part of a predisposition screen in an ostensibly healthy population. It had not been previously curated by ICSL or reported in the Human Gene Mutation Database (HGMD: prior to June 1st, 2018), and was therefore a candidate for classification through an automated scoring system. Utilizing variant allele frequency, disease prevalence and penetrance estimates, and inheritance mode, an automated score was calculated to assess if this variant is too frequent to cause the disease. Based on the score and internal cut-off values, a variant classified as likely benign is not then subjected to further curation. The score for this variant resulted in a classification of likely benign for this disease.